The following is an entry in ClinVar:

ClinVar aggregate classification (germline): Benign/Likely benign. Review status: criteria provided, multiple submitters, no conflicts (2 of 4 stars). 2 submissions from 2 submitters: Benign (1); Likely benign (1). Last evaluated 2026-01-15.

Conditions:
Persistent Mullerian duct syndrome (PMDS). Also called: PERSISTENT OVIDUCT SYNDROME; PSEUDOHERMAPHRODITISM, MALE INTERNAL; PERSISTENT MULLERIAN DUCT SYNDROME, TYPES I AND II; FEMALE GENITAL DUCTS IN OTHERWISE NORMAL MALE; HERNIA UTERI INGUINALE. Identifiers: Orphanet 2856, MedGen C1849930, MONDO:0009857, OMIM 261550.

Submissions (2):

Labcorp Genetics (formerly Invitae), Labcorp
Classification: Benign. Last evaluated: 2026-01-15. Review status: criteria provided, single submitter. Criteria: Invitae Variant Classification Sherloc (09022015). Collection method: clinical testing. Allele origin: germline.

Victorian Clinical Genetics Services, Murdoch Childrens Research Institute
Classification: Likely benign for Persistent Mullerian duct syndrome. Last evaluated: 2024-10-09. Review status: criteria provided, single submitter. Criteria: ACMG Guidelines, 2015. Collection method: clinical testing. Allele origin: germline. Inheritance: Autosomal recessive inheritance.
Comment: Based on the classification scheme VCGS_Germline_v1.3.4, this variant is classified as Likely benign. Following criteria are met: 0102 - Loss of function is a known mechanism of disease in this gene and is associated with persistent Mullerian duct syndrome, type I (MIM#261550). (I) 0106 - This gene is associated with autosomal recessive disease. (I) 0212 - Non-canonical splice site variant without proven consequence on splicing (no functional evidence available). (I) 0252 - This variant is homozygous. (I) 0304 - Variant is present in gnomAD <0.01 for a recessive condition (v3: 164 heterozygotes, 2 homozygotes). (SP) 0807 - This variant has no previous evidence of pathogenicity. (I) 1208 - Inheritance information for this variant is not currently available in this individual. (I) Legend: (SP) - Supporting pathogenic, (I) - Information, (SB) - Supporting benign

NM_000479.5(AMH):c.258C>T (p.Ala86=)

Gene: AMH (anti-Mullerian hormone; plus strand). Cytogenetic location: 19p13.3.
Variant type: single nucleotide variant.
Coding change: c.258C>T on transcript NM_000479.5 (MANE Select); coding-DNA position 258, C replaced by T.
Protein change: p.Ala86=; no amino-acid change (alanine 86 retained).
Molecular consequence: synonymous variant.
Genome position (GRCh38, 1-based): chr19:2,249,590, C>T. VCF-style: chr19-2249590-C-T. GRCh37 (hg19) VCF-style: chr19-2249589-C-T.
Identifiers: ClinVar variation 3377282 (VCV003377282.3).